The following is an entry in ClinVar:

NM_003742.4(ABCB11):c.1281C>T (p.Phe427=)

Gene: ABCB11 (ATP binding cassette subfamily B member 11; minus strand). Cytogenetic location: 2q31.1.
Variant type: single nucleotide variant.
Coding change: c.1281C>T on transcript NM_003742.4 (MANE Select); coding-DNA position 1281, C replaced by T.
Protein change: p.Phe427=; no amino-acid change (phenylalanine 427 retained).
Molecular consequence: synonymous variant.
Genome position (GRCh38, 1-based): chr2:168,976,604, G>A on the plus strand (C>T on the coding strand, the complement: ABCB11 is on the minus strand). VCF-style: chr2-168976604-G-A. GRCh37 (hg19) VCF-style: chr2-169833114-G-A.
Other names: c.1281C>T, p.Phe427= (LRG_1199t1).
Identifiers: ClinVar variation 284547 (VCV000284547.19), dbSNP rs11568360, ClinGen allele CA1951635.

ClinVar aggregate classification (germline): Conflicting classifications of pathogenicity. Review status: criteria provided, conflicting classifications (1 of 4 stars). 6 submissions from 6 submitters: Uncertain significance (1); Likely benign (4). 1 of the submissions does not count toward it. Last evaluated 2026-04-14.

Conditions:
Familial intrahepatic cholestasis. Identifiers: Orphanet 284385, MedGen CN296401, MONDO:0017290.
Progressive familial intrahepatic cholestasis type 2. Identifiers: Orphanet 79304, MedGen C3489789, MONDO:0011156, OMIM 601847.

Allele frequency attached by ClinVar (database versions not stated): gnomAD exomes 0.00013 and 0.00018; 1000 Genomes Project 0.00020; ExAC 0.00023; 1000 Genomes Project 30x 0.00031; ESP Exome Variant Server 0.00075; gnomAD 0.00092 and 0.00098; TOPMed 0.00103.
gnomAD v4.1: 344 of 1,605,956 alleles (0.021%); highest among the groups gnomAD compares: African/African-American, 0.32%; no homozygotes.

Submissions (6):

Genomenon, Inc
Classification: Likely benign for Familial intrahepatic cholestasis. Last evaluated: 2026-04-14. Review status: criteria provided, single submitter. Criteria: Genomenon Sequence Variant Interpretation Standards - Updated. Collection method: curation. Allele origin: germline. Affected: no.
Comment: ABCB11 c.1281C>T is a synonymous variant that retains Phenylalanine at residue 427. This variant has been reported in the published literature (PMID:20010382;22795478). This synonymous variant is not predicted to impact splicing. This variant's allele frequency in gnomAD is greater than expected for this disorder. In conclusion, we classify ABCB11 p.Phe427= (c.1281C>T) as a likely benign variant.

Labcorp Genetics (formerly Invitae), Labcorp
Classification: Likely benign. Last evaluated: 2026-01-26. Review status: criteria provided, single submitter. Criteria: Invitae Variant Classification Sherloc (09022015). Collection method: clinical testing. Allele origin: germline.

Blueprint Genetics
Classification: Likely benign. Last evaluated: 2024-01-08. Review status: criteria provided, single submitter. Criteria: ACMG Guidelines, 2015. Collection method: clinical testing. Allele origin: germline.

Eurofins Ntd Llc (ga)
Classification: Uncertain significance. Last evaluated: 2018-03-23. Review status: criteria provided, single submitter. Criteria: EGL ClinVar v180209 classification definitions. Collection method: clinical testing. Allele origin: germline. Observed: 7 variant alleles, 7 heterozygotes.

GeneDx
Classification: Likely benign. Last evaluated: 2017-11-30. Review status: criteria provided, single submitter. Criteria: GeneDx Variant Classification (06012015). Collection method: clinical testing. Allele origin: germline. Affected: yes.
Comment: This variant is considered likely benign or benign based on one or more of the following criteria: it is a conservative change, it occurs at a poorly conserved position in the protein, it is predicted to be benign by multiple in silico algorithms, and/or has population frequency not consistent with disease.

Natera, Inc.
Classification: Uncertain significance for Progressive familial intrahepatic cholestasis type 2. Last evaluated: 2020-01-08. Review status: no assertion criteria provided. Collection method: clinical testing. Allele origin: germline. Not counted in ClinVar's aggregate classification.

Literature cited by the submitters: PubMed 20010382 (cited by Genomenon, Inc); PubMed 22795478 (cited by Genomenon, Inc).